The following is an entry in ClinVar:

ClinVar aggregate classification (germline): Uncertain significance (1 of 4 stars; one submission).

Submission:

Dasa
Classification: Uncertain significance. Last evaluated: 2025-08-06. Review status: criteria provided, single submitter. Criteria: DASA Assertion Criteria. Collection method: clinical testing. Allele origin: germline.
Comment: NM_001033855.3(DCLRE1C):c.1893del (p.Glu632Argfs*6) is a frameshift variant in DCLRE1C predicted to alter the reading frame and introduce a premature termination codon and is predicted to result in an absent or altered protein product. This variant is rare in population databases. The currently available literature and clinical evidence are not sufficient to establish a definitive association between this variant and the reported condition. Therefore, this variant is classified as a variant of uncertain significance.

NM_001033855.3(DCLRE1C):c.1893del (p.Glu632fs)

Gene: DCLRE1C (DNA cross-link repair 1C; minus strand). Cytogenetic location: 10p13.
Variant type: Deletion.
Coding change: c.1893del on transcript NM_001033855.3 (MANE Select); coding-DNA position 1893, one base deleted (C; older notation c.1893delC).
Protein change: p.Glu632fs; shifts the reading frame from glutamic acid 632.
Molecular consequence: frameshift variant. On other transcripts: non-coding transcript variant (3), intron variant (3).
Genome position (GRCh38, 1-based): chr10:14,908,594, G deleted on the plus strand (C on the coding strand, the reverse complement: DCLRE1C is on the minus strand); the first of 3 consecutive G bases (chr10:14,908,594-14,908,596); deleting any one gives the same sequence. VCF-style (leftmost placement, unchanged base first): chr10-14908593-CG-C. GRCh37 (hg19) VCF-style: chr10-14950592-CG-C.
Other names: c.1533del, p.Glu512fs (NM_001033857.3, NM_001033858.3, NM_001289077.2 and 1 more transcripts); c.1548del, p.Glu517fs (NM_001289076.2, NM_001289078.2, NM_022487.4); c.1437+111del (NM_001350966.2); c.1782+111del (NM_001350965.2); c.1422+111del (NM_001350967.2); short protein forms E512fs, E517fs, E632fs.
Identifiers: ClinVar variation 4886274 (VCV004886274.2).